The following is an entry in ClinVar:

NM_024675.4(PALB2):c.1674T>G (p.Ile558Met)

Gene: PALB2 (partner and localizer of BRCA2; minus strand). Cytogenetic location: 16p12.2.
Variant type: single nucleotide variant.
Coding change: c.1674T>G on transcript NM_024675.4 (MANE Select); coding-DNA position 1674, T replaced by G.
Protein change: p.Ile558Met; replaces isoleucine 558 with methionine.
Molecular consequence: missense variant. On other transcripts: intron variant (3).
Genome position (GRCh38, 1-based): chr16:23,634,872, A>C on the plus strand (T>G on the coding strand, the complement: PALB2 is on the minus strand). VCF-style: chr16-23634872-A-C. GRCh37 (hg19) VCF-style: chr16-23646193-A-C.
Other names: c.1614T>G, p.Ile538Met (NM_001407296.1); c.1674T>G, p.Ile558Met (NM_001407297.1, NM_001407298.1, NM_001407299.1 and 3 more transcripts); c.789T>G, p.Ile263Met (NM_001407304.1, NM_001407305.1, NM_001407306.1 and 5 more transcripts); c.49-5597T>G (NM_001407314.1); c.-104-4403T>G (NM_001407313.1, NM_001407312.1); short protein forms I263M, I558M, I538M.
Identifiers: ClinVar variation 3697005 (VCV003697005.2).
Genomic context (GRCh38, chr16:23,634,872, plus strand): 5'-TGTTAACTTTCATCATCATCATCATCATCATCAAACACATCTTGATTTACCTTTCACTTG[A>C]ATAAATAATTTTTCGTGCTGATATTTGTGTGAGGTGACTTCTTCCTTGGACCTGTTAACA-3'
Protein context (NP_078951.2, residues 548-568): SHKYQHEKLF[Ile558Met]QVKGKKSRHQ

ClinVar aggregate classification (germline): Uncertain significance (1 of 4 stars; one submission).

Conditions:
Familial cancer of breast. Also called: hereditary breast carcinoma; BREAST CANCER, FAMILIAL; Hereditary breast cancer. Identifiers: Orphanet 227535, MedGen C0346153, MONDO:0016419, OMIM 114480. Disease mechanism: loss of function.

Submission:

Labcorp Genetics (formerly Invitae), Labcorp
Classification: Uncertain significance for Familial cancer of breast. Last evaluated: 2024-05-01. Review status: criteria provided, single submitter. Criteria: Invitae Variant Classification Sherloc (09022015). Collection method: clinical testing. Allele origin: germline.
Comment: This sequence change replaces isoleucine, which is neutral and non-polar, with methionine, which is neutral and non-polar, at codon 558 of the PALB2 protein (p.Ile558Met). This variant is not present in population databases (gnomAD no frequency). This variant has not been reported in the literature in individuals affected with PALB2-related conditions. Advanced modeling of protein sequence and biophysical properties (such as structural, functional, and spatial information, amino acid conservation, physicochemical variation, residue mobility, and thermodynamic stability) performed at Invitae indicates that this missense variant is not expected to disrupt PALB2 protein function with a negative predictive value of 80%. In summary, the available evidence is currently insufficient to determine the role of this variant in disease. Therefore, it has been classified as a Variant of Uncertain Significance.